The following is an entry in ClinVar:

ClinVar aggregate classification (germline): Likely benign (1 of 4 stars; one submission).

Allele frequency attached by ClinVar (database versions not stated): gnomAD 0.00009; TOPMed 0.00012; ExAC 0.00016; gnomAD exomes 0.00043; ESP Exome Variant Server 0.00046.
gnomAD v4.1: 624 of 1,614,042 alleles (0.039%); highest among the groups gnomAD compares: Non-Finnish European, 0.05%; no homozygotes.

Submission:

CeGaT Center for Human Genetics Tuebingen
Classification: Likely benign. Last evaluated: 2025-08-01. Review status: criteria provided, single submitter. Criteria: CeGaT Center For Human Genetics Tuebingen Variant Classification Criteria Version 2. Collection method: clinical testing. Allele origin: germline. Affected: yes. Observed: 2 variant alleles.
Comment: NOP56: BP4, BP7

NM_006392.4(NOP56):c.1065C>T (p.Thr355=)

Gene: NOP56 (NOP56 ribonucleoprotein; plus strand). Cytogenetic location: 20p13.
Variant type: single nucleotide variant.
Coding change: c.1065C>T on transcript NM_006392.4 (MANE Select); coding-DNA position 1065, C replaced by T.
Protein change: p.Thr355=; no amino-acid change (threonine 355 retained).
Molecular consequence: synonymous variant. On other transcripts: non-coding transcript variant (2).
Genome position (GRCh38, 1-based): chr20:2,656,455, C>T. VCF-style: chr20-2656455-C-T. GRCh37 (hg19) VCF-style: chr20-2637101-C-T.
Identifiers: ClinVar variation 3067245 (VCV003067245.21), dbSNP rs148624945, ClinGen allele CA9734671.